The following is an entry in ClinVar:

ClinVar aggregate classification (germline): Likely pathogenic (1 of 4 stars; one submission).

Conditions:
Propionic acidemia (PROP). Also called: GLYCINEMIA, KETOTIC; HYPERGLYCINEMIA WITH KETOACIDOSIS AND LEUKOPENIA; KETOTIC HYPERGLYCINEMIA. Identifiers: Orphanet 35, MedGen C0268579, MONDO:0011628, OMIM 606054, HP:0003571.

Submission:

Women's Health and Genetics/Laboratory Corporation of America, LabCorp
Classification: Likely pathogenic for Propionic acidemia. Last evaluated: 2021-06-19. Review status: criteria provided, single submitter. Criteria: LabCorp Variant Classification Summary - May 2015. Collection method: clinical testing. Allele origin: germline.
Comment: Variant summary: PCCB c.429+3_429+6delAAGT alters a set of conserved nucleotides located in the intronic splice region close to a canonical splice donor site and therefore could affect mRNA splicing, leading to a significantly altered protein sequence. Several computational tools predict a significant impact on normal splicing: Four predict the variant abolishes the canonical 5' splicing donor site. At least one publication reports experimental evidence that this variant affects mRNA splicing resulting in a 57 base pair in-frame deletion between nucleotides 373 and 429 in the coding region of the PCCB cDNA, resulting from the skipping of exon 4 (Ohura_1993). The variant was absent in 250866 control chromosomes. c.429+3_429+6delAAGT has been reported in the literature in at-least one Japanese individual affected with Propionic Acidemia who has been subsequently cited by others (example, Ohura_1995, Perez_2003, Yang_2004). No clinical diagnostic laboratories have submitted clinical-significance assessments for this variant to ClinVar after 2014. Based on the evidence outlined above, the variant was classified as likely pathogenic.

Literature cited by the submitters: PubMed 15059621; PubMed 8295402; PubMed 12559849; PubMed 7789958.

NM_000532.5(PCCB):c.429+3_429+6del

Gene: PCCB (propionyl-CoA carboxylase subunit beta; plus strand). Cytogenetic location: 3q22.3.
Variant type: Microsatellite.
Coding change: c.429+3_429+6del on transcript NM_000532.5 (MANE Select); bases 3 to 6 of the intron after coding-DNA position 429, 4 bases deleted (AAGT; older notation c.429+3_429+6delAAGT).
Molecular consequence: splice donor variant.
Genome position (GRCh38, 1-based): chr3:136,260,538-136,260,541, AAGT deleted; deleting any 4 consecutive bases within chr3:136,260,534-136,260,541 gives the same sequence; the c. name uses the placement nearest the transcript's 3' end. VCF-style (leftmost placement, unchanged base first): chr3-136260533-AAAGT-A. GRCh37 (hg19) VCF-style: chr3-135979375-AAAGT-A.
Other names: c.489+3_489+6del (NM_001178014.2).
Identifiers: ClinVar variation 1177271 (VCV001177271.1), dbSNP rs1941792728, ClinGen allele CA1404287221.